The following is an entry in ClinVar:

NM_032608.7(MYO18B):c.1063A>G (p.Met355Val)

Gene: MYO18B (myosin XVIIIB; plus strand). Cytogenetic location: 22q12.1.
Variant type: single nucleotide variant.
Coding change: c.1063A>G on transcript NM_032608.7 (MANE Select); coding-DNA position 1063, A replaced by G.
Protein change: p.Met355Val; replaces methionine 355 with valine.
Molecular consequence: missense variant.
Genome position (GRCh38, 1-based): chr22:25,768,979, A>G. VCF-style: chr22-25768979-A-G. GRCh37 (hg19) VCF-style: chr22-26164946-A-G.
Other names: c.1063A>G, p.Met355Val (NM_001318245.2); short protein forms M355V.
Identifiers: ClinVar variation 1497726 (VCV001497726.8), dbSNP rs2145586677, ClinGen allele CA411004052.
Genomic context (GRCh38, chr22:25,768,979, plus strand): 5'-AAGGACAAAGAAGGGGTGCTCTTAAGTAAGGCAGAGAAGACAGGTGAGCCTCAGACCCAG[A>G]TGGAGAAGACAAGCCAAGTGCAGGGCGAGTTGGGGGACGATCTGAGAATGGGGGAGAAAG-3'
Protein context (NP_115997.5, residues 345-365): AEKTGEPQTQ[Met355Val]EKTSQVQGEL

ClinVar aggregate classification (germline): Uncertain significance (1 of 4 stars; one submission).

Submission:

Labcorp Genetics (formerly Invitae), Labcorp
Classification: Uncertain significance. Last evaluated: 2022-08-23. Review status: criteria provided, single submitter. Criteria: Invitae Variant Classification Sherloc (09022015). Collection method: clinical testing. Allele origin: germline.
Comment: In summary, the available evidence is currently insufficient to determine the role of this variant in disease. Therefore, it has been classified as a Variant of Uncertain Significance. ClinVar contains an entry for this variant (Variation ID: 1497726). Algorithms developed to predict the effect of missense changes on protein structure and function output the following: SIFT: "Not Available"; PolyPhen-2: "Benign"; Align-GVGD: "Not Available". The valine amino acid residue is found in multiple mammalian species, which suggests that this missense change does not adversely affect protein function. This sequence change replaces methionine, which is neutral and non-polar, with valine, which is neutral and non-polar, at codon 355 of the MYO18B protein (p.Met355Val). This variant is not present in population databases (gnomAD no frequency). This variant has not been reported in the literature in individuals affected with MYO18B-related conditions.